The following is an entry in ClinVar:

ClinVar aggregate classification (germline): Likely benign. Review status: criteria provided, multiple submitters, no conflicts (2 of 4 stars). 3 submissions from 3 submitters: Likely benign (3). Last evaluated 2026-04-06.

Allele frequency attached by ClinVar (database versions not stated): ExAC 0.00029; gnomAD exomes 0.00029; 1000 Genomes Project 0.00040; ESP Exome Variant Server 0.00047.

Submissions (3):

Women's Health and Genetics/Laboratory Corporation of America, LabCorp
Classification: Likely benign. Last evaluated: 2026-04-06. Review status: criteria provided, single submitter. Criteria: LabCorp Variant Classification Summary - May 2015. Collection method: clinical testing. Allele origin: germline.

Labcorp Genetics (formerly Invitae), Labcorp
Classification: Likely benign. Last evaluated: 2025-11-08. Review status: criteria provided, single submitter. Criteria: Invitae Variant Classification Sherloc (09022015). Collection method: clinical testing. Allele origin: germline.

CeGaT Center for Human Genetics Tuebingen
Classification: Likely benign. Last evaluated: 2025-11-01. Review status: criteria provided, single submitter. Criteria: CeGaT Center For Human Genetics Tuebingen Variant Classification Criteria Version 2. Collection method: clinical testing. Allele origin: germline. Affected: yes. Observed: 1 variant allele.
Comment: ICOSLG: PM2:Supporting, BP4, BP7

NM_015259.6(ICOSLG):c.417C>T (p.Ser139=)

Gene: ICOSLG (inducible T cell costimulator ligand; minus strand). Cytogenetic location: 21q22.3.
Variant type: single nucleotide variant.
Coding change: c.417C>T on transcript NM_015259.6 (MANE Select); coding-DNA position 417, C replaced by T.
Protein change: p.Ser139=; no amino-acid change (serine 139 retained).
Molecular consequence: synonymous variant.
Genome position (GRCh38, 1-based): chr21:44,235,552, G>A on the plus strand (C>T on the coding strand, the complement: ICOSLG is on the minus strand). VCF-style: chr21-44235552-G-A. GRCh37 (hg19) VCF-style: chr21-45655435-G-A.
Other names: c.417C>T, p.Ser139= (NM_001283050.2); c.66C>T, p.Ser22= (NM_001283051.2); c.162C>T, p.Ser54= (NM_001283052.2); c.336C>T, p.Ser112= (NM_001365759.2).
Identifiers: ClinVar variation 1570096 (VCV001570096.15), dbSNP rs200543297, ClinGen allele CA321497357.